The following is an entry in ClinVar:

NM_006514.4(SCN10A):c.2377A>G (p.Ile793Val)

Gene: SCN10A (sodium voltage-gated channel alpha subunit 10; minus strand). Cytogenetic location: 3p22.2.
Variant type: single nucleotide variant.
Coding change: c.2377A>G on transcript NM_006514.4 (MANE Select); coding-DNA position 2377, A replaced by G.
Protein change: p.Ile793Val; replaces isoleucine 793 with valine.
Molecular consequence: missense variant.
Genome position (GRCh38, 1-based): chr3:38,728,805, T>C on the plus strand (A>G on the coding strand, the complement: SCN10A is on the minus strand). VCF-style: chr3-38728805-T-C. GRCh37 (hg19) VCF-style: chr3-38770296-T-C.
Other names: c.2377A>G, p.Ile793Val (NM_001293306.2); c.2083A>G, p.Ile695Val (NM_001293307.2); short protein forms I695V, I793V.
Identifiers: ClinVar variation 4777349 (VCV004777349.1).

ClinVar aggregate classification (germline): Uncertain significance (1 of 4 stars; one submission).

Conditions:
Brugada syndrome. Also called: Sudden unexpected nocturnal death syndrome; Sudden Unexplained Death Syndrome; Sudden Unexplained Nocturnal Death Syndrome (SUNDS); Sudden unexplained nocturnal death syndrome. Identifiers: Orphanet 130, MedGen C1142166, MONDO:0015263.

gnomAD v4.1: 2 of 1,614,164 alleles (0.00012%); highest among the groups gnomAD compares: African/African-American, 0.0013%; no homozygotes.

Submission:

Labcorp Genetics (formerly Invitae), Labcorp
Classification: Uncertain significance for Brugada syndrome. Last evaluated: 2025-03-22. Review status: criteria provided, single submitter. Criteria: Invitae Variant Classification Sherloc (09022015). Collection method: clinical testing. Allele origin: germline.
Comment: This sequence change replaces isoleucine, which is neutral and non-polar, with valine, which is neutral and non-polar, at codon 793 of the SCN10A protein (p.Ile793Val). This variant is not present in population databases (gnomAD no frequency). This variant has not been reported in the literature in individuals affected with SCN10A-related conditions. Invitae Evidence Modeling of protein sequence and biophysical properties (such as structural, functional, and spatial information, amino acid conservation, physicochemical variation, residue mobility, and thermodynamic stability) indicates that this missense variant is not expected to disrupt SCN10A protein function with a negative predictive value of 95%. In summary, the available evidence is currently insufficient to determine the role of this variant in disease. Therefore, it has been classified as a Variant of Uncertain Significance.